The following is an entry in ClinVar:

NM_001276345.2(TNNT2):c.644G>A (p.Arg215Gln)

Gene: TNNT2 (troponin T2, cardiac type; minus strand). Cytogenetic location: 1q32.1.
Variant type: single nucleotide variant.
Coding change: c.644G>A on transcript NM_001276345.2 (MANE Select); coding-DNA position 644, G replaced by A.
Protein change: p.Arg215Gln; replaces arginine 215 with glutamine.
Molecular consequence: missense variant.
Genome position (GRCh38, 1-based): chr1:201,361,988, C>T on the plus strand (G>A on the coding strand, the complement: TNNT2 is on the minus strand). VCF-style: chr1-201361988-C-T. GRCh37 (hg19) VCF-style: chr1-201331116-C-T.
Other names: c.635G>A, p.Arg212Gln (NM_000364.4); c.614G>A, p.Arg205Gln (NM_001001430.3, NM_001276347.2); c.605G>A, p.Arg202Gln (NM_001001431.3); c.596G>A, p.Arg199Gln (NM_001001432.3); c.515G>A, p.Arg172Gln (NM_001276346.2); short protein forms R205Q, R212Q, R215Q, R172Q, R199Q, R202Q.
Identifiers: ClinVar variation 165539 (VCV000165539.22), dbSNP rs121964860, ClinGen allele CA004865.
Genomic context (GRCh38, chr1:201,361,988, plus strand): 5'-TTCAGGTGGTCAATGGCCAGCACCTTCCTCCTCTCAGCCAGAATCTTCTTCTTCTTTTCC[C>T]GCTCAGTCTGCCTCTTCCCACTTTTCCGCTCTGTCTGGAGGGTGTGGGAAGCAGAGTAAA-3'
Protein context (NP_001263274.1, residues 205-225): ERKSGKRQTE[Arg215Gln]EKKKKILAER

ClinVar aggregate classification (germline): Conflicting classifications of pathogenicity. Review status: criteria provided, conflicting classifications (1 of 4 stars). 5 submissions from 5 submitters: Pathogenic (3); Likely pathogenic (1); Uncertain significance (1). Last evaluated 2024-04-08.

Conditions:
Dilated cardiomyopathy 1D. Identifiers: Orphanet 154, Orphanet 54260, MedGen C1832243, MONDO:0011095, OMIM 601494.
Hypertrophic cardiomyopathy 2. Also called: TNNT2-Related Familial Hypertrophic Cardiomyopathy. Identifiers: MedGen C1861864, MONDO:0007266, OMIM 115195.
Cardiomyopathy, familial restrictive, 3. Identifiers: Orphanet 75249, MedGen C2676271, MONDO:0012900, OMIM 612422.
TNNT2-related disorder. Also called: TNNT2-related condition.

Submissions (5):

Blueprint Genetics
Classification: Pathogenic for TNNT2-related disorders. Last evaluated: 2024-04-08. Review status: criteria provided, single submitter. Criteria: ACMG Guidelines, 2015. Collection method: clinical testing. Allele origin: germline. Affected: yes. Observed: 2 variant alleles.

Labcorp Genetics (formerly Invitae), Labcorp
Classification: Pathogenic for Cardiomyopathy, familial restrictive, 3; Hypertrophic cardiomyopathy 2; Dilated cardiomyopathy 1D. Last evaluated: 2024-03-07. Review status: criteria provided, single submitter. Criteria: Invitae Variant Classification Sherloc (09022015). Collection method: clinical testing. Allele origin: germline.
Comment: This sequence change replaces arginine, which is basic and polar, with glutamine, which is neutral and polar, at codon 205 of the TNNT2 protein (p.Arg205Gln). This variant is not present in population databases (gnomAD no frequency). This missense change has been observed in individuals with dilated cardiomyopathy (PMID: 26498512; Invitae). It has also been observed to segregate with disease in related individuals. ClinVar contains an entry for this variant (Variation ID: 165539). Advanced modeling of protein sequence and biophysical properties (such as structural, functional, and spatial information, amino acid conservation, physicochemical variation, residue mobility, and thermodynamic stability) performed at Invitae indicates that this missense variant is expected to disrupt TNNT2 protein function with a positive predictive value of 95%. Experimental studies have shown that this missense change affects TNNT2 function (PMID: 26498512). This variant disrupts the p.Arg205 amino acid residue in TNNT2. Other variant(s) that disrupt this residue have been determined to be pathogenic (PMID: 15542288, 15923195, 22675533, 23897817). This suggests that this residue is clinically significant, and that variants that disrupt this residue are likely to be disease-causing. For these reasons, this variant has been classified as Pathogenic.

GeneDx
Classification: Pathogenic. Last evaluated: 2023-02-16. Review status: criteria provided, single submitter. Criteria: GeneDx Variant Classification Process June 2021. Collection method: clinical testing. Allele origin: germline. Affected: yes.
Comment: Not observed at significant frequency in large population cohorts (gnomAD); Published functional studies demonstrate R205Q mutant thin filaments exhibited decreased calcium sensitivity (Pan et al., 2015); In silico analysis supports that this missense variant has a deleterious effect on protein structure/function; This variant is associated with the following publications: (PMID: 15542288, 15923195, 23897817, 22675533, 26498512, 20031601, 35050212)

Stanford Center for Inherited Cardiovascular Disease, Stanford University
Classification: Likely pathogenic. Last evaluated: 2016-08-03. Review status: criteria provided, single submitter. Criteria: ACMG Guidelines, 2015. Collection method: provider interpretation. Allele origin: germline.

Laboratory for Molecular Medicine, Mass General Brigham Personalized Medicine
Classification: Uncertain significance. Last evaluated: 2013-06-13. Review status: criteria provided, single submitter. Criteria: LMM Criteria. Collection method: clinical testing. Allele origin: germline. Observed: 1 variant allele.
Comment: Variant classified as Uncertain Significance - Favor Pathogenic. The Arg205Gln v ariant in TNNT2 has not been reported in individuals with cardiomyopathy or in l arge population studies. Computational analyses (biochemical amino acid properti es, conservation, AlignGVGD, PolyPhen2, and SIFT) do not provide strong support for or against an impact to the protein. Two other variants at this position (Ar g205Leu and Arg205Trp) have been reported in individuals with DCM and the Arg205 Leu variant segregated in two affected relatives (Mogensen 2004, Hershberger 200 9). Functional studies for these 2 variants also suggest an impact to the protei n, though it is unknown if these in vitro assays accurately represent biological function (Mogensen 2004, Hershberger 2009). In summary, the identification of o ther variants at this position in individuals with DCM suggests that change at t his position may not be tolerated, but additional studies are needed to fully as sess the clinical significance of this variant.

Literature cited by the submitters: PubMed 26498512 (cited by Labcorp Genetics (formerly Invitae), Labcorp and Laboratory for Molecular Medicine, Mass General Brigham Personalized Medicine); PubMed 15542288 (cited by Labcorp Genetics (formerly Invitae), Labcorp and Laboratory for Molecular Medicine, Mass General Brigham Personalized Medicine); PubMed 15923195 (cited by Labcorp Genetics (formerly Invitae), Labcorp and Laboratory for Molecular Medicine, Mass General Brigham Personalized Medicine); PubMed 22675533 (cited by Labcorp Genetics (formerly Invitae), Labcorp); PubMed 23897817 (cited by Labcorp Genetics (formerly Invitae), Labcorp); PubMed 20031601 (cited by Laboratory for Molecular Medicine, Mass General Brigham Personalized Medicine).